The following is an entry in ClinVar:

ClinVar aggregate classification (germline): Benign (0 of 4 stars; one submission).

Conditions:
RECQL5-related disorder. Also called: RECQL5-related condition.

Allele frequency attached by ClinVar (database versions not stated): gnomAD exomes 0.00037; ExAC 0.00135; TOPMed 0.00456; ESP Exome Variant Server 0.00484; 1000 Genomes Project 0.00619; 1000 Genomes Project 30x 0.00625.
gnomAD v4.1: 1,185 of 1,612,426 alleles (0.073%); highest among the groups gnomAD compares: African/African-American, 1.4%; 15 homozygotes.

Submission:

PreventionGenetics, part of Exact Sciences
Classification: Benign for RECQL5-related condition. Last evaluated: 2020-02-07. Review status: no assertion criteria provided. Collection method: clinical testing. Allele origin: germline.
Comment: This variant is classified as benign based on ACMG/AMP sequence variant interpretation guidelines (Richards et al. 2015 PMID: 25741868, with internal and published modifications).

NM_004259.7(RECQL5):c.190C>G (p.Leu64Val)

Gene: RECQL5 (RecQ like helicase 5; minus strand). Cytogenetic location: 17q25.1.
Variant type: single nucleotide variant.
Coding change: c.190C>G on transcript NM_004259.7 (MANE Select); coding-DNA position 190, C replaced by G.
Protein change: p.Leu64Val; replaces leucine 64 with valine.
Molecular consequence: missense variant.
Genome position (GRCh38, 1-based): chr17:75,665,113, G>C on the plus strand (C>G on the coding strand, the complement: RECQL5 is on the minus strand). VCF-style: chr17-75665113-G-C. GRCh37 (hg19) VCF-style: chr17-73661193-G-C.
Other names: c.190C>G, p.Leu64Val (NM_001003715.4, NM_001003716.4); short protein forms L64V.
Identifiers: ClinVar variation 3044901 (VCV003044901.2), dbSNP rs61733534, ClinGen allele CA8768005.
Genomic context (GRCh38, chr17:75,665,113, plus strand): 5'-GAATCAAAGCAATGAGAGGAGAGACTACAATGGTGATGCCTTTGGCCAACAGAGCAGGGA[G>C]CTGATAGCATAGGGATTTTCCTGCCCCTGTGGGCATGCACACAAAGACGTCCTTGTTACC-3'
Protein context (NP_004250.4, residues 54-74): TGAGKSLCYQ[Leu64Val]PALLAKGITI